The following is an entry in ClinVar:

ClinVar aggregate classification (germline): Pathogenic (1 of 4 stars; one submission).

Conditions:
Renal carnitine transport defect (CDSP). Also called: CARNITINE DEFICIENCY, SYSTEMIC, DUE TO DEFECT IN RENAL REABSORPTION OF CARNITINE; CARNITINE TRANSPORTER, PLASMA-MEMBRANE, DEFICIENCY OF; CARNITINE UPTAKE DEFECT; Systemic primary carnitine deficiency; Carnitine transporter deficiency; Carnitine Deficiency, Systemic. Identifiers: Orphanet 158, MedGen C0342788, MONDO:0008919, OMIM 212140.

Submission:

Labcorp Genetics (formerly Invitae), Labcorp
Classification: Pathogenic for Renal carnitine transport defect. Last evaluated: 2022-11-22. Review status: criteria provided, single submitter. Criteria: Invitae Variant Classification Sherloc (09022015). Collection method: clinical testing. Allele origin: germline.
Comment: For these reasons, this variant has been classified as Pathogenic. This variant has not been reported in the literature in individuals affected with SLC22A5-related conditions. This variant is not present in population databases (gnomAD no frequency). This sequence change creates a premature translational stop signal (p.Asp364Ilefs*11) in the SLC22A5 gene. It is expected to result in an absent or disrupted protein product. Loss-of-function variants in SLC22A5 are known to be pathogenic (PMID: 9916797).

Literature cited by the submitters: PubMed 9916797.

NM_003060.4(SLC22A5):c.1090del (p.Asp364fs)

Gene: SLC22A5 (solute carrier family 22 member 5; plus strand). Cytogenetic location: 5q31.1.
Variant type: Deletion.
Coding change: c.1090del on transcript NM_003060.4 (MANE Select); coding-DNA position 1090, one base deleted (G; older notation c.1090delG).
Protein change: p.Asp364fs; shifts the reading frame from aspartic acid 364.
Molecular consequence: frameshift variant.
Genome position (GRCh38, 1-based): chr5:132,390,727, G deleted. VCF-style (leftmost placement, unchanged base first): chr5-132390726-TG-T. GRCh37 (hg19) VCF-style: chr5-131726418-TG-T.
Other names: c.1162del, p.Asp388fs (NM_001308122.2); short protein forms D364fs, D388fs.
Identifiers: ClinVar variation 2120259 (VCV002120259.4), dbSNP rs2532025300, ClinGen allele CA2580072643.